The following is an entry in ClinVar:

ClinVar aggregate classification (germline): Uncertain significance (1 of 4 stars; one submission).

Conditions:
Inborn genetic diseases. Identifiers: MedGen C0950123, MeSH D030342.

Submission:

Ambry Genetics
Classification: Uncertain significance for Inborn genetic diseases. Last evaluated: 2025-08-01. Review status: criteria provided, single submitter. Criteria: Ambry Variant Classification Scheme 2023. Collection method: clinical testing. Allele origin: germline.
Comment: The p.K149R variant (also known as c.446A>G), located in coding exon 3 of the MECOM gene, results from an A to G substitution at nucleotide position 446. The lysine at codon 149 is replaced by arginine, an amino acid with highly similar properties. This amino acid position is conserved. In addition, the in silico prediction for this alteration is inconclusive. Based on the available evidence, the clinical significance of this variant remains unclear.

NM_004991.4(MECOM):c.446A>G (p.Lys149Arg)

Gene: MECOM (MDS1 and EVI1 complex locus; minus strand). Cytogenetic location: 3q26.2.
Variant type: single nucleotide variant.
Coding change: c.446A>G on transcript NM_004991.4 (MANE Select); coding-DNA position 446, A replaced by G.
Protein change: p.Lys149Arg; replaces lysine 149 with arginine.
Molecular consequence: missense variant. On other transcripts: 5 prime UTR variant (12).
Genome position (GRCh38, 1-based): chr3:169,143,762, T>C on the plus strand (A>G on the coding strand, the complement: MECOM is on the minus strand). VCF-style: chr3-169143762-T-C. GRCh37 (hg19) VCF-style: chr3-168861550-T-C.
Other names: c.74A>G, p.Lys25Arg (NM_001105077.4); c.-119A>G (NM_001105078.4, NM_001163999.2, NM_001164000.2 and 9 more transcripts); c.446A>G, p.Lys149Arg (NM_001366466.2, NM_001366473.2); short protein forms K149R, K25R.
Identifiers: ClinVar variation 4105805 (VCV004105805.1).